The following is an entry in ClinVar:

ClinVar aggregate classification (germline): Conflicting classifications of pathogenicity. Review status: criteria provided, conflicting classifications (1 of 4 stars). 2 submissions from 2 submitters: Likely pathogenic (1); Uncertain significance (1). Last evaluated 2026-10-13.

Conditions:
Common craniosynostosis syndromes.

Submissions (2):

GeneDx
Classification: Uncertain significance. Last evaluated: 2026-10-13. Review status: criteria provided, single submitter. Criteria: GeneDx Variant Classification Process June 2021. Collection method: clinical testing. Allele origin: germline.
Comment: Identified in a patient with Saethre-Chotzen syndrome; however, detailed clinical and segregation information was not provided (PMID: 10649491); Not observed at significant frequency in large population cohorts (gnomAD); In silico analysis supports that this missense variant has a deleterious effect on protein structure/function; This variant is associated with the following publications: (PMID: 10649491)

Genetics Laboratory, Great Ormond Street Hospital NHS Foundation Trust, North Thames Genomic Laboratory Hub
Classification: Likely pathogenic for Common craniosynostosis syndromes. Last evaluated: 2026-06-12. Review status: criteria provided, single submitter. Criteria: ACGS Best Practice Guidelines for Variant Classification in Rare Disease 2024 v1.2. Collection method: clinical testing. Allele origin: germline. Affected: yes.
Comment: PS4_supporting, PM2_moderate, PP3_supporting, PP2_supporting, PM6_supporting

NM_000474.4(TWIST1):c.380C>T (p.Ala127Val)

Gene: TWIST1 (twist family bHLH transcription factor 1; minus strand). Cytogenetic location: 7p21.1.
Variant type: single nucleotide variant.
Coding change: c.380C>T on transcript NM_000474.4 (MANE Select); coding-DNA position 380, C replaced by T.
Protein change: p.Ala127Val; replaces alanine 127 with valine.
Molecular consequence: missense variant. On other transcripts: non-coding transcript variant (1).
Genome position (GRCh38, 1-based): chr7:19,116,942, G>A on the plus strand (C>T on the coding strand, the complement: TWIST1 is on the minus strand). VCF-style: chr7-19116942-G-A. GRCh37 (hg19) VCF-style: chr7-19156565-G-A.
Other names: short protein forms A127V.
Identifiers: ClinVar variation 3572461 (VCV003572461.5).